The following is an entry in ClinVar:

ClinVar aggregate classification (germline): Uncertain significance (1 of 4 stars; one submission).

Submission:

GeneDx
Classification: Uncertain significance. Last evaluated: 2024-02-13. Review status: criteria provided, single submitter. Criteria: GeneDx Variant Classification Process June 2021. Collection method: clinical testing. Allele origin: germline. Affected: yes.
Comment: In silico analysis supports that this missense variant does not alter protein structure/function; Has not been previously published as pathogenic or benign to our knowledge

NM_001372106.1(DNAH10):c.6086A>G (p.Gln2029Arg)

Gene: DNAH10 (dynein axonemal heavy chain 10; plus strand). Cytogenetic location: 12q24.31.
Variant type: single nucleotide variant.
Coding change: c.6086A>G on transcript NM_001372106.1 (MANE Select); coding-DNA position 6086, A replaced by G.
Protein change: p.Gln2029Arg; replaces glutamine 2029 with arginine.
Molecular consequence: missense variant.
Genome position (GRCh38, 1-based): chr12:123,848,866, A>G. VCF-style: chr12-123848866-A-G. GRCh37 (hg19) VCF-style: chr12-124333413-A-G.
Other names: c.5732A>G, p.Gln1911Arg (NM_207437.3); short protein forms Q1911R, Q2029R.
Identifiers: ClinVar variation 3369297 (VCV003369297.1).